The following is an entry in ClinVar:

ClinVar aggregate classification (germline): Pathogenic (1 of 4 stars; one submission).

Conditions:
Familial adenomatous polyposis 1 (FAP1). Also called: FAMILIAL ADENOMATOUS POLYPOSIS 1, ATTENUATED; POLYPOSIS, ADENOMATOUS INTESTINAL. Identifiers: MedGen C2713442, MONDO:0021056, OMIM 175100. Disease mechanism: loss of function.

Submission:

Myriad Genetics, Inc.
Classification: Pathogenic for Familial adenomatous polyposis 1. Last evaluated: 2023-05-01. Review status: criteria provided, single submitter. Criteria: Myriad Autosomal Dominant, Autosomal Recessive and X-Linked Classification Criteria (2023). Collection method: clinical testing. Allele origin: unknown.
Comment: This variant is considered pathogenic. This variant creates a frameshift predicted to result in premature protein truncation.

NM_000038.6(APC):c.1492dup (p.Arg498fs)

Gene: APC (APC regulator of Wnt signaling pathway; plus strand). Cytogenetic location: 5q22.2.
Variant type: Duplication.
Coding change: c.1492dup on transcript NM_000038.6 (MANE Select); coding-DNA position 1492, one base duplicated (A; older notation c.1492dupA).
Protein change: p.Arg498fs; shifts the reading frame from arginine 498.
Molecular consequence: frameshift variant.
Genome position (GRCh38, 1-based): chr5:112,827,191, A duplicated; the last of 2 consecutive A bases (chr5:112,827,190-112,827,191); duplicating either gives the same sequence. VCF-style (leftmost placement, unchanged base first): chr5-112827189-T-TA. GRCh37 (hg19) VCF-style: chr5-112162886-T-TA.
Other names: c.1492dup, p.Arg498fs (NM_001127510.3, NM_001354895.2, NM_001407450.1); c.1438dup, p.Arg480fs (NM_001127511.3); c.1546dup, p.Arg516fs (NM_001354896.2, NM_001407447.1, NM_001407448.1 and 1 more transcripts); c.1522dup, p.Arg508fs (NM_001354897.2); c.1417dup, p.Arg473fs (NM_001354898.2); c.1408dup, p.Arg470fs (NM_001354899.2); c.1369dup, p.Arg457fs (NM_001354900.2); c.1315dup, p.Arg439fs (NM_001354901.2, NM_001407453.1); and 11 more; short protein forms R114fs, R215fs, R338fs, R369fs, R372fs, R397fs, R407fs, R415fs.
Identifiers: ClinVar variation 2584271 (VCV002584271.2), dbSNP rs2533198395, ClinGen allele CA2582341334.